The following continues an entry in ClinVar:

NM_001271696.3(ABCB7):c.246+1G>A

Gene: ABCB7. ClinVar aggregate classification (germline): Conflicting classifications of pathogenicity. Uncertain significance (1); Benign (2).

Submissions 32 to 67 of 83:

Dr. Peter K. Rogan Lab, Western University
No classification provided (evidence only). Condition: Thyroid cancer, nonmedullary, 1. Review status: no classification provided. Collection method: in vitro. Allele origin: not applicable. Functional consequence: skipped exon. Not counted in ClinVar's aggregate classification.

Dr. Peter K. Rogan Lab, Western University
No classification provided (evidence only). Condition: Thyroid cancer, nonmedullary, 1. Review status: no classification provided. Collection method: in vitro. Allele origin: not applicable. Functional consequence: skipped exon. Not counted in ClinVar's aggregate classification.

Dr. Peter K. Rogan Lab, Western University
No classification provided (evidence only). Condition: Thyroid cancer, nonmedullary, 1. Review status: no classification provided. Collection method: in vitro. Allele origin: not applicable. Functional consequence: skipped exon. Not counted in ClinVar's aggregate classification.

Dr. Peter K. Rogan Lab, Western University
No classification provided (evidence only). Condition: Thyroid cancer, nonmedullary, 1. Review status: no classification provided. Collection method: in vitro. Allele origin: not applicable. Functional consequence: skipped exon. Not counted in ClinVar's aggregate classification.

Dr. Peter K. Rogan Lab, Western University
No classification provided (evidence only). Condition: Thyroid cancer, nonmedullary, 1. Review status: no classification provided. Collection method: in vitro. Allele origin: not applicable. Functional consequence: skipped exon. Not counted in ClinVar's aggregate classification.

Dr. Peter K. Rogan Lab, Western University
No classification provided (evidence only). Condition: Thyroid cancer, nonmedullary, 1. Review status: no classification provided. Collection method: in vitro. Allele origin: not applicable. Functional consequence: skipped exon. Not counted in ClinVar's aggregate classification.

Dr. Peter K. Rogan Lab, Western University
No classification provided (evidence only). Condition: Thyroid cancer, nonmedullary, 1. Review status: no classification provided. Collection method: in vitro. Allele origin: not applicable. Functional consequence: skipped exon. Not counted in ClinVar's aggregate classification.

Dr. Peter K. Rogan Lab, Western University
No classification provided (evidence only). Condition: Thyroid cancer, nonmedullary, 1. Review status: no classification provided. Collection method: in vitro. Allele origin: not applicable. Functional consequence: skipped exon. Not counted in ClinVar's aggregate classification.

Dr. Peter K. Rogan Lab, Western University
No classification provided (evidence only). Condition: Uterine corpus endometrial carcinoma. Review status: no classification provided. Collection method: in vitro. Allele origin: not applicable. Functional consequence: skipped exon. Not counted in ClinVar's aggregate classification.

Dr. Peter K. Rogan Lab, Western University
No classification provided (evidence only). Condition: Uterine corpus endometrial carcinoma. Review status: no classification provided. Collection method: in vitro. Allele origin: not applicable. Functional consequence: skipped exon. Not counted in ClinVar's aggregate classification.

Dr. Peter K. Rogan Lab, Western University
No classification provided (evidence only). Condition: Cervical cancer. Review status: no classification provided. Collection method: in vitro. Allele origin: not applicable. Functional consequence: skipped exon. Not counted in ClinVar's aggregate classification.

Dr. Peter K. Rogan Lab, Western University
No classification provided (evidence only). Condition: Cervical cancer. Review status: no classification provided. Collection method: in vitro. Allele origin: not applicable. Functional consequence: skipped exon. Not counted in ClinVar's aggregate classification.

Dr. Peter K. Rogan Lab, Western University
No classification provided (evidence only). Condition: Cervical cancer. Review status: no classification provided. Collection method: in vitro. Allele origin: not applicable. Functional consequence: retained intron. Not counted in ClinVar's aggregate classification.

Dr. Peter K. Rogan Lab, Western University
No classification provided (evidence only). Condition: Cervical cancer. Review status: no classification provided. Collection method: in vitro. Allele origin: not applicable. Functional consequence: skipped exon. Not counted in ClinVar's aggregate classification.

Dr. Peter K. Rogan Lab, Western University
No classification provided (evidence only). Condition: Sarcoma. Review status: no classification provided. Collection method: in vitro. Allele origin: not applicable. Functional consequence: skipped exon. Not counted in ClinVar's aggregate classification.

Dr. Peter K. Rogan Lab, Western University
No classification provided (evidence only). Condition: Sarcoma. Review status: no classification provided. Collection method: in vitro. Allele origin: not applicable. Functional consequence: skipped exon. Not counted in ClinVar's aggregate classification.

Dr. Peter K. Rogan Lab, Western University
No classification provided (evidence only). Condition: Sarcoma. Review status: no classification provided. Collection method: in vitro. Allele origin: not applicable. Functional consequence: skipped exon. Not counted in ClinVar's aggregate classification.

Dr. Peter K. Rogan Lab, Western University
No classification provided (evidence only). Condition: Hepatocellular carcinoma. Review status: no classification provided. Collection method: in vitro. Allele origin: not applicable. Functional consequence: skipped exon. Not counted in ClinVar's aggregate classification.

Dr. Peter K. Rogan Lab, Western University
No classification provided (evidence only). Condition: Hepatocellular carcinoma. Review status: no classification provided. Collection method: in vitro. Allele origin: not applicable. Functional consequence: skipped exon. Not counted in ClinVar's aggregate classification.

Dr. Peter K. Rogan Lab, Western University
No classification provided (evidence only). Condition: Hepatocellular carcinoma. Review status: no classification provided. Collection method: in vitro. Allele origin: not applicable. Functional consequence: skipped exon. Not counted in ClinVar's aggregate classification.

Dr. Peter K. Rogan Lab, Western University
No classification provided (evidence only). Condition: Hepatocellular carcinoma. Review status: no classification provided. Collection method: in vitro. Allele origin: not applicable. Functional consequence: skipped exon. Not counted in ClinVar's aggregate classification.

Dr. Peter K. Rogan Lab, Western University
No classification provided (evidence only). Condition: Hepatocellular carcinoma. Review status: no classification provided. Collection method: in vitro. Allele origin: not applicable. Functional consequence: skipped exon. Not counted in ClinVar's aggregate classification.

Dr. Peter K. Rogan Lab, Western University
No classification provided (evidence only). Condition: Hepatocellular carcinoma. Review status: no classification provided. Collection method: in vitro. Allele origin: not applicable. Functional consequence: skipped exon. Not counted in ClinVar's aggregate classification.

Dr. Peter K. Rogan Lab, Western University
No classification provided (evidence only). Condition: Nonpapillary renal cell carcinoma. Review status: no classification provided. Collection method: in vitro. Allele origin: not applicable. Functional consequence: skipped exon. Not counted in ClinVar's aggregate classification.

Dr. Peter K. Rogan Lab, Western University
No classification provided (evidence only). Condition: Thymoma. Review status: no classification provided. Collection method: in vitro. Allele origin: not applicable. Functional consequence: skipped exon. Not counted in ClinVar's aggregate classification.

Dr. Peter K. Rogan Lab, Western University
No classification provided (evidence only). Condition: Thymoma. Review status: no classification provided. Collection method: in vitro. Allele origin: not applicable. Functional consequence: skipped exon. Not counted in ClinVar's aggregate classification.

Dr. Peter K. Rogan Lab, Western University
No classification provided (evidence only). Condition: Cholangiocarcinoma. Review status: no classification provided. Collection method: in vitro. Allele origin: not applicable. Functional consequence: skipped exon. Not counted in ClinVar's aggregate classification.

Dr. Peter K. Rogan Lab, Western University
No classification provided (evidence only). Condition: Ovarian serous cystadenocarcinoma. Review status: no classification provided. Collection method: in vitro. Allele origin: not applicable. Functional consequence: skipped exon. Not counted in ClinVar's aggregate classification.

Dr. Peter K. Rogan Lab, Western University
No classification provided (evidence only). Condition: Ovarian serous cystadenocarcinoma. Review status: no classification provided. Collection method: in vitro. Allele origin: not applicable. Functional consequence: skipped exon. Not counted in ClinVar's aggregate classification.

Dr. Peter K. Rogan Lab, Western University
No classification provided (evidence only). Condition: Ovarian serous cystadenocarcinoma. Review status: no classification provided. Collection method: in vitro. Allele origin: not applicable. Functional consequence: skipped exon. Not counted in ClinVar's aggregate classification.

Dr. Peter K. Rogan Lab, Western University
No classification provided (evidence only). Condition: Ovarian serous cystadenocarcinoma. Review status: no classification provided. Collection method: in vitro. Allele origin: not applicable. Functional consequence: skipped exon. Not counted in ClinVar's aggregate classification.

Dr. Peter K. Rogan Lab, Western University
No classification provided (evidence only). Condition: Ovarian serous cystadenocarcinoma. Review status: no classification provided. Collection method: in vitro. Allele origin: not applicable. Functional consequence: skipped exon, retained intron. Not counted in ClinVar's aggregate classification.

Dr. Peter K. Rogan Lab, Western University
No classification provided (evidence only). Condition: Ovarian serous cystadenocarcinoma. Review status: no classification provided. Collection method: in vitro. Allele origin: not applicable. Functional consequence: skipped exon. Not counted in ClinVar's aggregate classification.

Dr. Peter K. Rogan Lab, Western University
No classification provided (evidence only). Condition: Ovarian serous cystadenocarcinoma. Review status: no classification provided. Collection method: in vitro. Allele origin: not applicable. Functional consequence: skipped exon. Not counted in ClinVar's aggregate classification.

Dr. Peter K. Rogan Lab, Western University
No classification provided (evidence only). Condition: Gastric cancer. Review status: no classification provided. Collection method: in vitro. Allele origin: not applicable. Functional consequence: skipped exon. Not counted in ClinVar's aggregate classification.

Dr. Peter K. Rogan Lab, Western University
No classification provided (evidence only). Condition: Gastric cancer. Review status: no classification provided. Collection method: in vitro. Allele origin: not applicable. Functional consequence: skipped exon. Not counted in ClinVar's aggregate classification.